The following is an entry in ClinVar:

ClinVar aggregate classification (germline): Uncertain significance (1 of 4 stars; one submission).

Conditions:
OTOG-related disorder. Also called: OTOG-related condition.

gnomAD v4.1: 4 of 1,551,006 alleles (0.00026%); highest among the groups gnomAD compares: Admixed American, 0.0059%; no homozygotes.

Submission:

PreventionGenetics, part of Exact Sciences
Classification: Uncertain significance for OTOG-related condition. Last evaluated: 2026-08-10. Review status: criteria provided, single submitter. Criteria: ACMG Guidelines, 2015. Collection method: clinical testing. Allele origin: germline.
Comment: The OTOG c.3586A>G variant is predicted to result in the amino acid substitution p.Asn1196Asp. To our knowledge, this variant has not been reported in the literature. This variant is reported in 0.0079% of alleles in individuals of Latino descent in gnomAD. At this time, the clinical significance of this variant is uncertain due to the absence of conclusive functional and genetic evidence.

NM_001292063.2(OTOG):c.3550A>G (p.Asn1184Asp)

Gene: OTOG (otogelin; plus strand). Cytogenetic location: 11p15.1.
Variant type: single nucleotide variant.
Coding change: c.3550A>G on transcript NM_001292063.2 (MANE Select); coding-DNA position 3550, A replaced by G.
Protein change: p.Asn1184Asp; replaces asparagine 1184 with aspartic acid.
Molecular consequence: missense variant.
Genome position (GRCh38, 1-based): chr11:17,596,875, A>G. VCF-style: chr11-17596875-A-G. GRCh37 (hg19) VCF-style: chr11-17618422-A-G.
Other names: c.3586A>G, p.Asn1196Asp (NM_001277269.2); short protein forms N1196D, N1184D.
Identifiers: ClinVar variation 4987137 (VCV004987137.1).